The following is an entry in ClinVar:

NM_001012426.2(FOXP4):c.699C>T (p.Gly233=)

Gene: FOXP4 (forkhead box P4; plus strand). Cytogenetic location: 6p21.1.
Variant type: single nucleotide variant.
Coding change: c.699C>T on transcript NM_001012426.2 (MANE Select); coding-DNA position 699, C replaced by T.
Protein change: p.Gly233=; no amino-acid change (glycine 233 retained).
Molecular consequence: synonymous variant.
Genome position (GRCh38, 1-based): chr6:41,587,339, C>T. VCF-style: chr6-41587339-C-T. GRCh37 (hg19) VCF-style: chr6-41555077-C-T.
Other names: c.693C>T, p.Gly231= (NM_001012427.2); c.699C>T, p.Gly233= (NM_001405824.1); c.603C>T, p.Gly201= (NM_001405825.1, NM_001405826.1); c.696C>T, p.Gly232= (NM_138457.3).
Identifiers: ClinVar variation 4987676 (VCV004987676.1).
Genomic context (GRCh38, chr6:41,587,339, plus strand): 5'-CTCCCCTGTCTCTCCCACAGCAGCTGTTTGCCCAACAGACCTGCCCCAGCTGTGGAAGGG[C>T]GAGGGTGCCCCCGGGCAGCCTGCCGAGGACAGCGTCAAGCAGGAGGGGCTGGACCTCACT-3'
Protein context (NP_001012426.1, residues 223-243): CPTDLPQLWK[Gly233=]EGAPGQPAED

ClinVar aggregate classification (germline): Likely benign (1 of 4 stars; one submission).

Conditions:
FOXP4-related disorder. Also called: FOXP4-related condition.

gnomAD v4.1: 17 of 1,611,828 alleles (0.0011%); highest among the groups gnomAD compares: Middle Eastern, 0.017%; no homozygotes.

Submission:

PreventionGenetics, part of Exact Sciences
Classification: Likely benign for FOXP4-related condition. Last evaluated: 2025-08-19. Review status: criteria provided, single submitter. Criteria: ACMG Guidelines, 2015. Collection method: clinical testing. Allele origin: germline.
Comment: This variant is classified as likely benign based on ACMG/AMP sequence variant interpretation guidelines (Richards et al. 2015 PMID: 25741868, with internal and published modifications).